The following is an entry in ClinVar:

NM_000399.5(EGR2):c.428C>A (p.Pro143Gln)

Gene: EGR2 (early growth response 2; minus strand). Cytogenetic location: 10q21.3.
Variant type: single nucleotide variant.
Coding change: c.428C>A on transcript NM_000399.5 (MANE Select); coding-DNA position 428, C replaced by A.
Protein change: p.Pro143Gln; replaces proline 143 with glutamine.
Molecular consequence: missense variant.
Genome position (GRCh38, 1-based): chr10:62,814,210, G>T on the plus strand (C>A on the coding strand, the complement: EGR2 is on the minus strand). VCF-style: chr10-62814210-G-T. GRCh37 (hg19) VCF-style: chr10-64573970-G-T.
Other names: c.428C>A, p.Pro143Gln (NM_001136177.3, NM_001136178.2); c.278C>A, p.Pro93Gln (NM_001136179.3, NM_001321037.2); short protein forms P143Q, P93Q.
Identifiers: ClinVar variation 860419 (VCV000860419.8), dbSNP rs1327438695, ClinGen allele CA377030622.

ClinVar aggregate classification (germline): Uncertain significance (1 of 4 stars; one submission).

Conditions:
Charcot-Marie-Tooth disease, type I (CMT1). Also called: Charcot-Marie-Tooth disease type 1; Charcot-Marie-Tooth, Type 1. Identifiers: Orphanet 65753, MedGen C0751036, MONDO:0019011.

Submission:

Labcorp Genetics (formerly Invitae), Labcorp
Classification: Uncertain significance for Charcot-Marie-Tooth disease, type I. Last evaluated: 2023-05-15. Review status: criteria provided, single submitter. Criteria: Invitae Variant Classification Sherloc (09022015). Collection method: clinical testing. Allele origin: germline.
Comment: This sequence change replaces proline, which is neutral and non-polar, with glutamine, which is neutral and polar, at codon 143 of the EGR2 protein (p.Pro143Gln). This variant is not present in population databases (gnomAD no frequency). This variant has not been reported in the literature in individuals affected with EGR2-related conditions. ClinVar contains an entry for this variant (Variation ID: 860419). Advanced modeling of protein sequence and biophysical properties (such as structural, functional, and spatial information, amino acid conservation, physicochemical variation, residue mobility, and thermodynamic stability) performed at Invitae indicates that this missense variant is not expected to disrupt EGR2 protein function. In summary, the available evidence is currently insufficient to determine the role of this variant in disease. Therefore, it has been classified as a Variant of Uncertain Significance.